The following is an entry in ClinVar:

NM_001322059.2(PDE1C):c.224A>T (p.Lys75Met)

Gene: PDE1C (phosphodiesterase 1C; minus strand). Cytogenetic location: 7p14.3.
Variant type: single nucleotide variant.
Coding change: c.224A>T on transcript NM_001322059.2; coding-DNA position 224, A replaced by T.
Protein change: p.Lys75Met; replaces lysine 75 with methionine.
Molecular consequence: missense variant.
Genome position (GRCh38, 1-based): chr7:32,427,908, T>A on the plus strand (A>T on the coding strand, the complement: PDE1C is on the minus strand). VCF-style: chr7-32427908-T-A. GRCh37 (hg19) VCF-style: chr7-32467520-T-A.
Other names: short protein forms K75M.
Identifiers: ClinVar variation 3048130 (VCV003048130.3), dbSNP rs534589383, ClinGen allele CA156197689.

ClinVar aggregate classification (germline): Likely benign. Review status: criteria provided, single submitter (1 of 4 stars). 2 submissions from 2 submitters: Likely benign (1). 1 of the submissions does not count toward it. Last evaluated 2024-11-19.

Conditions:
PDE1C-related disorder. Also called: PDE1C-related condition.

Allele frequency attached by ClinVar (database versions not stated): 1000 Genomes Project 0.00040; gnomAD 0.00072.

Submissions (2):

Blueprint Genetics
Classification: Likely benign. Last evaluated: 2024-11-19. Review status: criteria provided, single submitter. Criteria: ACMG Guidelines, 2015. Collection method: clinical testing. Allele origin: germline.

PreventionGenetics, part of Exact Sciences
Classification: Likely benign for PDE1C-related condition. Last evaluated: 2023-09-19. Review status: no assertion criteria provided. Collection method: clinical testing. Allele origin: germline. Not counted in ClinVar's aggregate classification.
Comment: This variant is classified as likely benign based on ACMG/AMP sequence variant interpretation guidelines (Richards et al. 2015 PMID: 25741868, with internal and published modifications).